The following is an entry in ClinVar:

NM_001430.5(EPAS1):c.2033C>T (p.Thr678Ile)

Gene: EPAS1 (endothelial PAS domain protein 1; plus strand). Cytogenetic location: 2p21.
Variant type: single nucleotide variant.
Coding change: c.2033C>T on transcript NM_001430.5 (MANE Select); coding-DNA position 2033, C replaced by T.
Protein change: p.Thr678Ile; replaces threonine 678 with isoleucine.
Molecular consequence: missense variant.
Genome position (GRCh38, 1-based): chr2:46,380,705, C>T. VCF-style: chr2-46380705-C-T. GRCh37 (hg19) VCF-style: chr2-46607844-C-T.
Other names: short protein forms T678I.
Identifiers: ClinVar variation 1784788 (VCV001784788.2), dbSNP rs758177159, ClinGen allele CA46567186.

ClinVar aggregate classification (germline): Uncertain significance (1 of 4 stars; one submission).

Conditions:
Inborn genetic diseases. Identifiers: MedGen C0950123, MeSH D030342.

gnomAD v4.1: 1 of 1,612,070 alleles (0.000062%); no homozygotes.

Submission:

Ambry Genetics
Classification: Uncertain significance for Inborn genetic diseases. Last evaluated: 2022-05-02. Review status: criteria provided, single submitter. Criteria: Ambry Variant Classification Scheme 2023. Collection method: clinical testing. Allele origin: germline.
Comment: The p.T678I variant (also known as c.2033C>T), located in coding exon 12 of the EPAS1 gene, results from a C to T substitution at nucleotide position 2033. The threonine at codon 678 is replaced by isoleucine, an amino acid with similar properties. This amino acid position is conserved. In addition, this alteration is predicted to be tolerated by in silico analysis. Since supporting evidence is limited at this time, the clinical significance of this alteration remains unclear.